The following is an entry in ClinVar:

NM_017827.4(SARS2):c.390G>A (p.Gln130=)

Gene: SARS2 (seryl-tRNA synthetase 2, mitochondrial; minus strand). Cytogenetic location: 19q13.2.
Variant type: single nucleotide variant.
Coding change: c.390G>A on transcript NM_017827.4 (MANE Select); coding-DNA position 390, G replaced by A.
Protein change: p.Gln130=; no amino-acid change (glutamine 130 retained).
Molecular consequence: synonymous variant.
Genome position (GRCh38, 1-based): chr19:38,922,241, C>T on the plus strand (G>A on the coding strand, the complement: SARS2 is on the minus strand). VCF-style: chr19-38922241-C-T. GRCh37 (hg19) VCF-style: chr19-39412881-C-T.
Other names: p.Q130Q:CAG>CAA; c.390G>A, p.Gln130= (NM_001145901.2).
Identifiers: ClinVar variation 215107 (VCV000215107.14), dbSNP rs61736057, ClinGen allele CA320348.

ClinVar aggregate classification (germline): Conflicting classifications of pathogenicity. Review status: criteria provided, conflicting classifications (1 of 4 stars). 4 submissions from 4 submitters: Uncertain significance (1); Benign (2); Likely benign (1). Last evaluated 2025-12-16.

Conditions:
Hyperuricemia, pulmonary hypertension, renal failure, alkalosis syndrome (HUPRAS). Also called: HYPERURICEMIA, PULMONARY HYPERTENSION, RENAL FAILURE, AND ALKALOSIS SYNDROME; HUPRA SYNDROME. Identifiers: Orphanet 363694, MedGen C3151209, MONDO:0013458, OMIM 613845.

Allele frequency attached by ClinVar (database versions not stated): gnomAD exomes 0.00041 and 0.00068; ExAC 0.00080; ESP Exome Variant Server 0.00161; gnomAD 0.00215 and 0.00233; TOPMed 0.00241; 1000 Genomes Project 0.00280; 1000 Genomes Project 30x 0.00281.
gnomAD v4.1: 965 of 1,614,128 alleles (0.06%); highest among the groups gnomAD compares: African/African-American, 0.59%; 5 homozygotes.

Submissions (4):

Labcorp Genetics (formerly Invitae), Labcorp
Classification: Benign. Last evaluated: 2025-12-16. Review status: criteria provided, single submitter. Criteria: Invitae Variant Classification Sherloc (09022015). Collection method: clinical testing. Allele origin: germline.

Blueprint Genetics
Classification: Likely benign. Last evaluated: 2024-11-20. Review status: criteria provided, single submitter. Criteria: ACMG Guidelines, 2015. Collection method: clinical testing. Allele origin: germline.

Illumina Laboratory Services, Illumina
Classification: Uncertain significance for Hyperuricemia, pulmonary hypertension, renal failure, alkalosis syndrome. Last evaluated: 2018-01-12. Review status: criteria provided, single submitter. Criteria: ICSL Variant Classification Criteria 13 December 2019. Collection method: clinical testing. Allele origin: germline.

GeneDx
Classification: Benign. Last evaluated: 2015-02-05. Review status: criteria provided, single submitter. Criteria: GeneDx Variant Classification (06012015). Collection method: clinical testing. Allele origin: germline. Affected: yes.
Comment: This variant is considered likely benign or benign based on one or more of the following criteria: it is a conservative change, it occurs at a poorly conserved position in the protein, it is predicted to be benign by multiple in silico algorithms, and/or has population frequency not consistent with disease.